The following is an entry in ClinVar:

NM_001377142.1(PLCB4):c.1653G>C (p.Leu551=)

Gene: PLCB4 (phospholipase C beta 4; plus strand). Cytogenetic location: 20p12.2.
Variant type: single nucleotide variant.
Coding change: c.1653G>C on transcript NM_001377142.1 (MANE Select); coding-DNA position 1653, G replaced by C.
Protein change: p.Leu551=; no amino-acid change (leucine 551 retained).
Molecular consequence: synonymous variant.
Genome position (GRCh38, 1-based): chr20:9,407,922, G>C. VCF-style: chr20-9407922-G-C. GRCh37 (hg19) VCF-style: chr20-9388569-G-C.
Other names: c.1617G>C, p.Leu539= (NM_000933.4, NM_001377134.2, NM_001377135.1 and 2 more transcripts); c.1653G>C, p.Leu551= (NM_001172646.2, NM_001377143.1).
Identifiers: ClinVar variation 717531 (VCV000717531.5), dbSNP rs779291891, ClinGen allele CA9761181.

ClinVar aggregate classification (germline): Likely benign. Review status: criteria provided, single submitter (1 of 4 stars). 2 submissions from 2 submitters: Likely benign (1). 1 of the submissions does not count toward it. Last evaluated 2017-09-28.

Conditions:
PLCB4-related disorder. Also called: PLCB4-related condition.

Allele frequency attached by ClinVar (database versions not stated): gnomAD 0.00005 and 0.00006; TOPMed 0.00006.
gnomAD v4.1: 278 of 1,612,072 alleles (0.017%); highest among the groups gnomAD compares: Non-Finnish European, 0.023%; no homozygotes.

Submissions (2):

Labcorp Genetics (formerly Invitae), Labcorp
Classification: Likely benign. Last evaluated: 2017-09-28. Review status: criteria provided, single submitter. Criteria: Invitae Variant Classification Sherloc (09022015). Collection method: clinical testing. Allele origin: germline.

PreventionGenetics, part of Exact Sciences
Classification: Likely benign for PLCB4-related condition. Last evaluated: 2019-02-22. Review status: no assertion criteria provided. Collection method: clinical testing. Allele origin: germline. Not counted in ClinVar's aggregate classification.
Comment: This variant is classified as likely benign based on ACMG/AMP sequence variant interpretation guidelines (Richards et al. 2015 PMID: 25741868, with internal and published modifications).